The following is an entry in ClinVar:

NM_182914.3(SYNE2):c.2314-3T>C

Gene: SYNE2 (spectrin repeat containing nuclear envelope protein 2; plus strand). Cytogenetic location: 14q23.2.
Variant type: single nucleotide variant.
Coding change: c.2314-3T>C on transcript NM_182914.3 (MANE Select); 3 bases into the intron before coding-DNA position 2314, T replaced by C.
Molecular consequence: intron variant.
Genome position (GRCh38, 1-based): chr14:63,990,408, T>C. VCF-style: chr14-63990408-T-C. GRCh37 (hg19) VCF-style: chr14-64457126-T-C.
Other names: c.2314-3T>C (NM_015180.6).
Identifiers: ClinVar variation 3715094 (VCV003715094.2).

ClinVar aggregate classification (germline): Uncertain significance (1 of 4 stars; one submission).

Conditions:
Emery-Dreifuss muscular dystrophy 5, autosomal dominant (EDMD5). Also called: EMERY-DREIFUSS MUSCULAR DYSTROPHY 5. Identifiers: Orphanet 261, MedGen C2751805, MONDO:0013072, OMIM 612999.

gnomAD v4.1: 1 of 1,612,230 alleles (0.000062%); highest among the groups gnomAD compares: Admixed American, 0.0017%; no homozygotes.

Submission:

Labcorp Genetics (formerly Invitae), Labcorp
Classification: Uncertain significance for Emery-Dreifuss muscular dystrophy 5, autosomal dominant. Last evaluated: 2024-12-22. Review status: criteria provided, single submitter. Criteria: Invitae Variant Classification Sherloc (09022015). Collection method: clinical testing. Allele origin: germline.
Comment: This sequence change falls in intron 19 of the SYNE2 gene. It does not directly change the encoded amino acid sequence of the SYNE2 protein. It affects a nucleotide within the consensus splice site. This variant is present in population databases (rs771726009, gnomAD 0.003%). This variant has not been reported in the literature in individuals affected with SYNE2-related conditions. Variants that disrupt the consensus splice site are a relatively common cause of aberrant splicing (PMID: 17576681, 9536098). Algorithms developed to predict the effect of sequence changes on RNA splicing suggest that this variant is not likely to affect RNA splicing. In summary, the available evidence is currently insufficient to determine the role of this variant in disease. Therefore, it has been classified as a Variant of Uncertain Significance.

Literature cited by the submitters: PubMed 17576681; PubMed 9536098.